The following is an entry in ClinVar:

ClinVar aggregate classification (germline): Likely benign. Review status: criteria provided, multiple submitters, no conflicts (2 of 4 stars). 2 submissions from 2 submitters: Likely benign (2). Last evaluated 2024-11-18.

Conditions:
Congenital disorder of glycosylation type 1E (CDG1E). Also called: CONGENITAL DISORDER OF GLYCOSYLATION, TYPE Ie; CDG Ie. Identifiers: Orphanet 79322, MedGen C1837396, MONDO:0012123, OMIM 608799.

Allele frequency attached by ClinVar (database versions not stated): gnomAD 0.00001; gnomAD exomes 0.00001 and 0.00003; ExAC 0.00002; TOPMed 0.00004; ESP Exome Variant Server 0.00008.
gnomAD v4.1: 48 of 1,540,770 alleles (0.0031%); highest among the groups gnomAD compares: Non-Finnish European, 0.0041%; no homozygotes.

Submissions (2):

Labcorp Genetics (formerly Invitae), Labcorp
Classification: Likely benign for Congenital disorder of glycosylation type 1E. Last evaluated: 2024-11-18. Review status: criteria provided, single submitter. Criteria: Invitae Variant Classification Sherloc (09022015). Collection method: clinical testing. Allele origin: germline.

GeneDx
Classification: Likely benign. Last evaluated: 2018-01-25. Review status: criteria provided, single submitter. Criteria: GeneDx Variant Classification (06012015). Collection method: clinical testing. Allele origin: germline. Affected: yes.
Comment: This variant is considered likely benign or benign based on one or more of the following criteria: it is a conservative change, it occurs at a poorly conserved position in the protein, it is predicted to be benign by multiple in silico algorithms, and/or has population frequency not consistent with disease.

NM_003859.3(DPM1):c.162-17A>G

Gene: DPM1 (dolichyl-phosphate mannosyltransferase subunit 1, catalytic; minus strand). Cytogenetic location: 20q13.13.
Variant type: single nucleotide variant.
Coding change: c.162-17A>G on transcript NM_003859.3 (MANE Select); 17 bases into the intron before coding-DNA position 162, A replaced by G.
Molecular consequence: intron variant.
Genome position (GRCh38, 1-based): chr20:50,955,302, T>C on the plus strand (A>G on the coding strand, the complement: DPM1 is on the minus strand). VCF-style: chr20-50955302-T-C. GRCh37 (hg19) VCF-style: chr20-49571839-T-C.
Other names: c.162-17A>G (NM_001317036.1, NM_001317035.1, NM_001317034.1).
Identifiers: ClinVar variation 514950 (VCV000514950.8), dbSNP rs376823531, ClinGen allele CA9909206.